The following is an entry in ClinVar:

ClinVar aggregate classification (germline): Pathogenic/Likely pathogenic. Review status: criteria provided, multiple submitters, no conflicts (2 of 4 stars). 8 submissions from 8 submitters: Pathogenic (7); Likely pathogenic (1). Last evaluated 2026-02-26.

Conditions:
Hereditary cancer-predisposing syndrome. Also called: Hereditary neoplastic syndrome; Tumor predisposition; Neoplastic Syndromes, Hereditary; Hereditary Cancer Syndrome. Identifiers: Orphanet 140162, MedGen C0027672, MeSH D009386, MONDO:0015356.
Cardiovascular phenotype. Identifiers: MedGen CN230736.
Café-au-lait macules with pulmonary stenosis (WTSN). Also called: PULMONIC STENOSIS WITH CAFE-AU-LAIT SPOTS. Identifiers: MedGen C0553586, MONDO:0008672, OMIM 193520.
Neurofibromatosis, familial spinal (FSNF). Identifiers: Orphanet 636, MedGen C1834235, MONDO:0008078, OMIM 162210. Disease mechanism: loss of function.
Neurofibromatosis, type 1 (NF1). Also called: Neurofibromatosis, type I; VON RECKLINGHAUSEN DISEASE; Peripheral type neurofibromatosis; NEUROFIBROMATOSIS, TYPE I, SOMATIC. Identifiers: Orphanet 636, MedGen C0027831, MONDO:0018975, OMIM 162200. Disease mechanism: loss of function.
Neurofibromatosis-Noonan syndrome (NFNS). Also called: NEUROFIBROMATOSIS WITH NOONAN PHENOTYPE. Identifiers: Orphanet 638, MedGen C2931482, MONDO:0011035, OMIM 601321. Disease mechanism: loss of function.
Juvenile myelomonocytic leukemia (JMML). Also called: LEUKEMIA, JUVENILE MYELOMONOCYTIC, SOMATIC. Identifiers: Orphanet 86834, MedGen C0349639, MONDO:0011908, OMIM 607785, HP:0012209.

Submissions (8):

NHS Central & South Genomic Laboratory Hub
Classification: Pathogenic for Neurofibromatosis type 1. Last evaluated: 2026-02-26. Review status: criteria provided, single submitter. Criteria: ACMG Guidelines, 2015. Collection method: clinical testing. Allele origin: germline. Affected: yes.

Labcorp Genetics (formerly Invitae), Labcorp
Classification: Pathogenic for Neurofibromatosis, type 1. Last evaluated: 2025-11-27. Review status: criteria provided, single submitter. Criteria: Invitae Variant Classification Sherloc (09022015). Collection method: clinical testing. Allele origin: germline.
Comment: This sequence change creates a premature translational stop signal (p.Gln1298*) in the NF1 gene. It is expected to result in an absent or disrupted protein product. Loss-of-function variants in NF1 are known to be pathogenic (PMID: 10712197, 23913538). This variant is not present in population databases (gnomAD no frequency). This premature translational stop signal has been observed in individual(s) with neurofibromatosis type 1 (NF1) (PMID: 12872266). Invitae Evidence Modeling of clinical and family history, age, sex, and reported ancestry of multiple individuals with this NF1 variant has been performed. This variant is expected to be pathogenic with a positive predictive value of at least 99%. This is a validated machine learning model that incorporates the clinical features of 1,785,918 individuals referred to our laboratory for NF1 testing. ClinVar contains an entry for this variant (Variation ID: 859602). Algorithms developed to predict the effect of sequence changes on RNA splicing suggest that this variant may disrupt the consensus splice site. For these reasons, this variant has been classified as Pathogenic.

GeneDx
Classification: Pathogenic. Last evaluated: 2025-05-05. Review status: criteria provided, single submitter. Criteria: GeneDx Variant Classification Process June 2021. Collection method: clinical testing. Allele origin: germline. Affected: yes.
Comment: Identified in patients with history consistent with neurofibromatosis type 1 referred for genetic testing at GeneDx and in published literature (PMID: 12872266, 23906300); Nonsense variant predicted to result in protein truncation or nonsense mediated decay in a gene for which loss-of-function is a known mechanism of disease; Not observed at significant frequency in large population cohorts (gnomAD); This variant is associated with the following publications: (PMID: 23906300, 25525159, 12872266)

Institute for Clinical Genetics, University Hospital TU Dresden, University Hospital TU Dresden
Classification: Pathogenic. Last evaluated: 2022-10-05. Review status: criteria provided, single submitter. Criteria: ACMG Guidelines, 2015. Collection method: clinical testing. Allele origin: germline.
Comment: PVS1, PS4, PM2_SUP

Genome-Nilou Lab
Classification: Pathogenic for Neurofibromatosis, type 1. Last evaluated: 2022-03-15. Review status: criteria provided, single submitter. Criteria: ACMG Guidelines, 2015. Collection method: clinical testing. Allele origin: germline. Affected: no.

Ambry Genetics
Classification: Pathogenic for Cardiovascular phenotype; Hereditary cancer-predisposing syndrome. Last evaluated: 2021-07-09. Review status: criteria provided, single submitter. Criteria: Ambry Variant Classification Scheme 2023. Collection method: clinical testing. Allele origin: germline.
Comment: The p.Q1298* pathogenic mutation (also known as c.3892C>T), located in coding exon 29 of the NF1 gene, results from a C to T substitution at nucleotide position 3892. This changes the amino acid from a glutamine to a stop codon within coding exon 29. This alteration was identified in multiple individuals with a clinical diagnosis of neurofibromatosis type one (NF1) (Origone P et al. Hum Mutat, 2003 Aug;22:179-80; Bolcekova A et al. Neoplasma, 2013;60:655-65). In addition to the clinical data presented in the literature, this alteration is expected to result in loss of function by premature protein truncation or nonsense-mediated mRNA decay. As such, this alteration is interpreted as a disease-causing mutation.

Women's Health and Genetics/Laboratory Corporation of America, LabCorp
Classification: Likely pathogenic for Neurofibromatosis, type 1. Last evaluated: 2019-05-23. Review status: criteria provided, single submitter. Criteria: LabCorp Variant Classification Summary - May 2015. Collection method: clinical testing. Allele origin: germline.
Comment: Variant summary: NF1 c.3892C>T (p.Gln1298X) results in a premature termination codon, predicted to cause a truncation of the encoded protein or absence of the protein due to nonsense mediated decay, which are commonly known mechanisms for disease. Truncations downstream of this position have been classified as pathogenic by our laboratory. The variant was absent in 251406 control chromosomes. c.3892C>T has been reported in the literature in individuals affected with Neurofibromatosis Type 1 (Bolcekova_2013, Nemethova_2013, Origone_2003, Xu_2018). To our knowledge, no experimental evidence demonstrating an impact on protein function has been reported. No clinical diagnostic laboratories have submitted clinical-significance assessments for this variant to ClinVar after 2014. Based on the evidence outlined above, the variant was classified as likely pathogenic.

Juno Genomics, Hangzhou Juno Genomics, Inc
Classification: Pathogenic for Juvenile myelomonocytic leukemia; Neurofibromatosis, familial spinal; Neurofibromatosis, type 1; Neurofibromatosis-Noonan syndrome; Café-au-lait macules with pulmonary stenosis. Review status: criteria provided, single submitter. Criteria: ACMG Guidelines, 2015. Collection method: clinical testing. Allele origin: germline. Affected: yes.
Comment: Null variant in a gene where loss of function (LOF) is a known mechanism of disease.;Absent from controls (or at extremely low frequency if recessive) in Genome Aggregation Database, Exome Sequencing Project, 1000 Genomes Project, or Exome Aggregation Consortium.;The prevalence of the variant in affected individuals is significantly increased compared to the prevalence in controls.;Patient's phenotype or family history is highly specific for a disease with a single genetic etiology.

Literature cited by the submitters: PubMed 10712197 (cited by Labcorp Genetics (formerly Invitae), Labcorp); PubMed 23913538 (cited by Labcorp Genetics (formerly Invitae), Labcorp); PubMed 12872266 (cited by Labcorp Genetics (formerly Invitae), Labcorp and Women's Health and Genetics/Laboratory Corporation of America, LabCorp); PubMed 23906300 (cited by Women's Health and Genetics/Laboratory Corporation of America, LabCorp); PubMed 23758643 (cited by Women's Health and Genetics/Laboratory Corporation of America, LabCorp); PubMed 30087692 (cited by Women's Health and Genetics/Laboratory Corporation of America, LabCorp).

NM_001042492.3(NF1):c.3892C>T (p.Gln1298Ter)

Gene: NF1 (neurofibromin 1; plus strand). Cytogenetic location: 17q11.2.
Variant type: single nucleotide variant.
Coding change: c.3892C>T on transcript NM_001042492.3 (MANE Select); coding-DNA position 3892, C replaced by T.
Protein change: p.Gln1298Ter; replaces glutamine 1298 with a stop codon.
Molecular consequence: nonsense.
Genome position (GRCh38, 1-based): chr17:31,235,939, C>T. VCF-style: chr17-31235939-C-T. GRCh37 (hg19) VCF-style: chr17-29562957-C-T.
Other names: c.3892C>T, p.Gln1298Ter (NM_000267.4); short protein forms Q1298*.
Identifiers: ClinVar variation 859602 (VCV000859602.15), dbSNP rs2067193761, ClinGen allele CA398993052.